The following is an entry in ClinVar:

ClinVar aggregate classification (germline): Likely benign (1 of 4 stars; one submission).

Allele frequency attached by ClinVar (database versions not stated): gnomAD 0.00001; TOPMed 0.00001; ExAC 0.00002; gnomAD exomes 0.00002.
gnomAD v4.1: 34 of 1,613,250 alleles (0.0021%); highest among the groups gnomAD compares: Non-Finnish European, 0.0023%; no homozygotes.

Submission:

CeGaT Center for Human Genetics Tuebingen
Classification: Likely benign. Last evaluated: 2022-04-01. Review status: criteria provided, single submitter. Criteria: CeGaT Center For Human Genetics Tuebingen Variant Classification Criteria Version 2. Collection method: clinical testing. Allele origin: germline. Affected: yes. Observed: 1 variant allele.
Comment: BCL11B: BP4, BP7

NM_138576.4(BCL11B):c.2499C>T (p.Cys833=)

Gene: BCL11B (BCL11 transcription factor B; minus strand). Cytogenetic location: 14q32.2.
Variant type: single nucleotide variant.
Coding change: c.2499C>T on transcript NM_138576.4 (MANE Select); coding-DNA position 2499, C replaced by T.
Protein change: p.Cys833=; no amino-acid change (cysteine 833 retained).
Molecular consequence: synonymous variant.
Genome position (GRCh38, 1-based): chr14:99,174,337, G>A on the plus strand (C>T on the coding strand, the complement: BCL11B is on the minus strand). VCF-style: chr14-99174337-G-A. GRCh37 (hg19) VCF-style: chr14-99640674-G-A.
Other names: c.2496C>T, p.Cys832= (NM_001282237.2); c.2283C>T, p.Cys761= (NM_001282238.2); c.2286C>T, p.Cys762= (NM_022898.3).
Identifiers: ClinVar variation 2644502 (VCV002644502.24), dbSNP rs749985774, ClinGen allele CA7339486.
Genomic context (GRCh38, chr14:99,174,337, plus strand): 5'-CACCTCCTTGCCGATCTGCCCGTGCGTCTTCATGTGGCGCGTGAGCTTGCTGCTCTGCGC[G>A]CACGCGTAGTTGCACAGCTCGCACTTGTAAGGCCGCTCGCCGGTGTGGCTCCGCCGGTGC-3'
Protein context (NP_612808.1, residues 823-843): PYKCELCNYA[Cys833=]AQSSKLTRHM